The following is an entry in ClinVar:

ClinVar aggregate classification (germline): Likely benign (0 of 4 stars; one submission).

Conditions:
ZNF462-related disorder. Also called: ZNF462-related condition; ZNF462 related disease.

Submission:

PreventionGenetics, part of Exact Sciences
Classification: Likely benign for ZNF462-related condition. Last evaluated: 2024-02-22. Review status: no assertion criteria provided. Collection method: clinical testing. Allele origin: germline.
Comment: This variant is classified as likely benign based on ACMG/AMP sequence variant interpretation guidelines (Richards et al. 2015 PMID: 25741868, with internal and published modifications).

NM_021224.6(ZNF462):c.3306A>C (p.Pro1102=)

Gene: ZNF462 (zinc finger protein 462; plus strand). Cytogenetic location: 9q31.2.
Variant type: single nucleotide variant.
Coding change: c.3306A>C on transcript NM_021224.6 (MANE Select); coding-DNA position 3306, A replaced by C.
Protein change: p.Pro1102=; no amino-acid change (proline 1102 retained).
Molecular consequence: synonymous variant. On other transcripts: intron variant (1).
Genome position (GRCh38, 1-based): chr9:106,927,218, A>C. VCF-style: chr9-106927218-A-C. GRCh37 (hg19) VCF-style: chr9-109689499-A-C.
Other names: c.3252+54A>C (NM_001347997.2).
Identifiers: ClinVar variation 3035281 (VCV003035281.2), dbSNP rs368008742, ClinGen allele CA5171642.